The following is an entry in ClinVar:

ClinVar aggregate classification (germline): Conflicting classifications of pathogenicity. Review status: criteria provided, conflicting classifications (1 of 4 stars). 5 submissions from 5 submitters: Uncertain significance (1); Likely benign (4). Last evaluated 2025-10-26.

Conditions:
SLC22A12-related disorder. Also called: SLC22A12-related condition.
Dalmatian hypouricemia (RHUC1). Identifiers: MedGen C0473219, MONDO:0020728, OMIM 220150.

Allele frequency attached by ClinVar (database versions not stated): 1000 Genomes Project 30x 0.00031; 1000 Genomes Project 0.00040; ExAC 0.00061; gnomAD exomes 0.00065 and 0.00151; gnomAD 0.00111 and 0.00122; TOPMed 0.00112; ESP Exome Variant Server 0.00146.
gnomAD v4.1: 2,340 of 1,609,332 alleles (0.15%); highest among the groups gnomAD compares: Non-Finnish European, 0.19%; 3 homozygotes.

Submissions (5):

Labcorp Genetics (formerly Invitae), Labcorp
Classification: Likely benign. Last evaluated: 2025-10-26. Review status: criteria provided, single submitter. Criteria: Invitae Variant Classification Sherloc (09022015). Collection method: clinical testing. Allele origin: germline.

PreventionGenetics, part of Exact Sciences
Classification: Likely benign for SLC22A12-related condition. Last evaluated: 2025-07-16. Review status: criteria provided, single submitter. Criteria: ACMG Guidelines, 2015. Collection method: clinical testing. Allele origin: germline.
Comment: This variant is classified as likely benign based on ACMG/AMP sequence variant interpretation guidelines (Richards et al. 2015 PMID: 25741868, with internal and published modifications).

Blueprint Genetics
Classification: Likely benign. Last evaluated: 2024-09-18. Review status: criteria provided, single submitter. Criteria: ACMG Guidelines, 2015. Collection method: clinical testing. Allele origin: germline.

CeGaT Center for Human Genetics Tuebingen
Classification: Likely benign. Last evaluated: 2023-01-01. Review status: criteria provided, single submitter. Criteria: CeGaT Center For Human Genetics Tuebingen Variant Classification Criteria Version 2. Collection method: clinical testing. Allele origin: germline. Affected: yes. Observed: 2 variant alleles.
Comment: SLC22A12: BP4, BP7

Illumina Laboratory Services, Illumina
Classification: Uncertain significance for Dalmatian hypouricemia. Last evaluated: 2018-01-13. Review status: criteria provided, single submitter. Criteria: ICSL Variant Classification Criteria 13 December 2019. Collection method: clinical testing. Allele origin: germline.

NM_144585.4(SLC22A12):c.1572C>T (p.Pro524=)

Gene: SLC22A12 (solute carrier family 22 member 12; plus strand). Cytogenetic location: 11q13.1.
Variant type: single nucleotide variant.
Coding change: c.1572C>T on transcript NM_144585.4 (MANE Select); coding-DNA position 1572, C replaced by T.
Protein change: p.Pro524=; no amino-acid change (proline 524 retained).
Molecular consequence: synonymous variant.
Genome position (GRCh38, 1-based): chr11:64,600,912, C>T. VCF-style: chr11-64600912-C-T. GRCh37 (hg19) VCF-style: chr11-64368384-C-T.
Other names: c.1470C>T, p.Pro490= (NM_001276326.2); c.1248C>T, p.Pro416= (NM_001276327.2); c.909C>T, p.Pro303= (NM_153378.3).
Identifiers: ClinVar variation 305248 (VCV000305248.41), dbSNP rs138485972, ClinGen allele CA6077486.